The following is an entry in ClinVar:

NM_000226.4(KRT9):c.500delinsGGCT (p.Tyr167delinsTrpLeu)

Gene: KRT9 (keratin 9; minus strand). Cytogenetic location: 17q21.2.
Variant type: Indel.
Coding change: c.500delinsGGCT on transcript NM_000226.4 (MANE Select); coding-DNA position 500, A replaced by GGCT.
Protein change: p.Tyr167delinsTrpLeu.
Molecular consequence: inframe indel.
Genome position (GRCh38, 1-based): chr17:41,571,493, T replaced by AGCC on the plus strand (A replaced by GGCT on the coding strand, the reverse complement: KRT9 is on the minus strand). VCF-style: chr17-41571493-T-AGCC. GRCh37 (hg19) VCF-style: chr17-39727745-T-AGCC.
Identifiers: ClinVar variation 66157 (VCV000066157.1), dbSNP rs59317143, ClinGen allele CA216563.
Genomic context (GRCh38, chr17:41,571,493, plus strand): 5'-TCCTGGATCTTATTCTCCAGGTCGTTGTTGGCCTCCTCTAGAGCCTGCACCTTATCCAAG[T>AGCC]AAGAGGCCAGCCGAGAATTGAGTTCCTGCATGGTGCTCTTCTCATTAGCAGTCAGAATAC-3'

ClinVar aggregate classification (germline): not provided. Review status: no classification provided (0 of 4 stars). 2 submissions from 1 submitter: not provided (1). 1 of the submissions does not count toward it.

Submissions (2):

Epithelial Biology;  Institute of Medical Biology, Singapore
No classification provided. Review status: no classification provided. Collection method: not provided. Allele origin: not provided.

Epithelial Biology;  Institute of Medical Biology, Singapore
No classification provided. Review status: flagged submission. Collection method: not provided. Allele origin: not provided. Not counted in ClinVar's aggregate classification.
ClinVar note: Reason: This record appears to be redundant with a more recent record from the same submitter.
ClinVar note: Notes: SCV000087577 appears to be redundant with SCV000087578.